The following is an entry in ClinVar:

ClinVar aggregate classification (germline): Uncertain significance. Review status: criteria provided, multiple submitters, no conflicts (2 of 4 stars). 3 submissions from 3 submitters: Uncertain significance (3). Last evaluated 2024-10-15.

Conditions:
Asphyxiating thoracic dystrophy 5 (SRTD5). Also called: SHORT-RIB THORACIC DYSPLASIA 5 WITHOUT POLYDACTYLY; SHORT-RIB THORACIC DYSPLASIA 5 WITH OR WITHOUT POLYDACTYLY. Identifiers: Orphanet 474, MedGen C3280598, MONDO:0013717, OMIM 614376.
Cranioectodermal dysplasia 4 (CED4). Identifiers: Orphanet 1515, MedGen C3280616, MONDO:0013719, OMIM 614378.
Spermatogenic failure 72 (SPGF72). Identifiers: MedGen C5676980, MONDO:0030809, OMIM 619867.
Nephronophthisis 13 (NPHP13). Identifiers: Orphanet 655, MedGen C3280612, MONDO:0013718, OMIM 614377.
Senior-Loken syndrome 8 (SLSN8). Identifiers: Orphanet 3156, MedGen C4225376, MONDO:0014579, OMIM 616307.

Allele frequency attached by ClinVar (database versions not stated): TOPMed below 0.00001; gnomAD 0.00001 and 0.00003; gnomAD exomes 0.00002 and 0.00015; ExAC 0.00004.
gnomAD v4.1: 94 of 1,610,890 alleles (0.0058%); highest among the groups gnomAD compares: East Asian, 0.21%; no homozygotes.

Submissions (3):

Labcorp Genetics (formerly Invitae), Labcorp
Classification: Uncertain significance for Senior-Loken syndrome 8; Asphyxiating thoracic dystrophy 5. Last evaluated: 2024-10-15. Review status: criteria provided, single submitter. Criteria: Invitae Variant Classification Sherloc (09022015). Collection method: clinical testing. Allele origin: germline.
Comment: This sequence change replaces lysine, which is basic and polar, with arginine, which is basic and polar, at codon 137 of the WDR19 protein (p.Lys137Arg). This variant is present in population databases (rs763605734, gnomAD 0.03%). This variant has not been reported in the literature in individuals affected with WDR19-related conditions. ClinVar contains an entry for this variant (Variation ID: 1391089). Invitae Evidence Modeling of protein sequence and biophysical properties (such as structural, functional, and spatial information, amino acid conservation, physicochemical variation, residue mobility, and thermodynamic stability) has been performed for this missense variant. However, the output from this modeling did not meet the statistical confidence thresholds required to predict the impact of this variant on WDR19 protein function. In summary, the available evidence is currently insufficient to determine the role of this variant in disease. Therefore, it has been classified as a Variant of Uncertain Significance.

Fulgent Genetics
Classification: Uncertain significance for Asphyxiating thoracic dystrophy 5; Nephronophthisis 13; Cranioectodermal dysplasia 4; Senior-Loken syndrome 8; Spermatogenic failure 72. Last evaluated: 2024-05-02. Review status: criteria provided, single submitter. Criteria: ACMG Guidelines, 2015. Collection method: clinical testing. Allele origin: germline.

Blueprint Genetics
Classification: Uncertain significance. Last evaluated: 2022-10-17. Review status: criteria provided, single submitter. Criteria: ACMG Guidelines, 2015. Collection method: clinical testing. Allele origin: germline.

NM_025132.4(WDR19):c.410A>G (p.Lys137Arg)

Gene: WDR19 (WD repeat domain 19; plus strand). Cytogenetic location: 4p14.
Variant type: single nucleotide variant.
Coding change: c.410A>G on transcript NM_025132.4 (MANE Select); coding-DNA position 410, A replaced by G.
Protein change: p.Lys137Arg; replaces lysine 137 with arginine.
Molecular consequence: missense variant. On other transcripts: 5 prime UTR variant (1).
Genome position (GRCh38, 1-based): chr4:39,199,481, A>G. VCF-style: chr4-39199481-A-G. GRCh37 (hg19) VCF-style: chr4-39201101-A-G.
Other names: c.-71A>G (NM_001317924.2); short protein forms K137R.
Identifiers: ClinVar variation 1391089 (VCV001391089.9), dbSNP rs763605734, ClinGen allele CA2891624.
Genomic context (GRCh38, chr4:39,199,481, plus strand): 5'-ACAGATTTTTTTCTTTGAGAAATCCACATGTCTGTATAAAAATAATCTCTTTTTCAGGAA[A>G]ACATACTAAGAGAATCACTTGTGGATGTTGGAATGCAGAAAATCTGCTTGCTTTAGGTGG-3'
Protein context (NP_079408.3, residues 127-147): QTSRKIPVLG[Lys137Arg]HTKRITCGCW